The following is an entry in ClinVar:

NM_000539.3(RHO):c.892G>A (p.Ala298Thr)

Gene: RHO (rhodopsin; plus strand). Cytogenetic location: 3q22.1.
Variant type: single nucleotide variant.
Coding change: c.892G>A on transcript NM_000539.3 (MANE Select); coding-DNA position 892, G replaced by A.
Protein change: p.Ala298Thr; replaces alanine 298 with threonine.
Molecular consequence: missense variant.
Genome position (GRCh38, 1-based): chr3:129,532,728, G>A. VCF-style: chr3-129532728-G-A. GRCh37 (hg19) VCF-style: chr3-129251571-G-A.
Other names: short protein forms A298T.
Identifiers: ClinVar variation 932140 (VCV000932140.7), dbSNP rs781237162, ClinGen allele CA2607302.
Genomic context (GRCh38, chr3:129,532,728, plus strand): 5'-CACCAGGGCTCCAACTTCGGTCCCATCTTCATGACCATCCCAGCGTTCTTTGCCAAGAGC[G>A]CCGCCATCTACAACCCTGTCATCTATATCATGATGAACAAGCAGGTGCCTACTGCGGGTG-3'
Protein context (NP_000530.1, residues 288-308): MTIPAFFAKS[Ala298Thr]AIYNPVIYIM

ClinVar aggregate classification (germline): Uncertain significance. Review status: criteria provided, multiple submitters, no conflicts (2 of 4 stars). 2 submissions from 2 submitters: Uncertain significance (2). Last evaluated 2022-08-22.

Conditions:
Pigmentary retinal dystrophy. Also called: Fundus albipunctatus. Identifiers: Orphanet 227796, Orphanet 52427, MedGen C0311338, MONDO:0007639, OMIM 136880, HP:0030642.

Allele frequency attached by ClinVar (database versions not stated): TOPMed below 0.00001; ExAC 0.00001; gnomAD 0.00001.
gnomAD v4.1: 5 of 1,614,092 alleles (0.00031%); highest among the groups gnomAD compares: Non-Finnish European, 0.00042%; no homozygotes.

Submissions (2):

Labcorp Genetics (formerly Invitae), Labcorp
Classification: Uncertain significance. Last evaluated: 2022-08-22. Review status: criteria provided, single submitter. Criteria: Invitae Variant Classification Sherloc (09022015). Collection method: clinical testing. Allele origin: germline.
Comment: In summary, the available evidence is currently insufficient to determine the role of this variant in disease. Therefore, it has been classified as a Variant of Uncertain Significance. This variant disrupts the p.Ala298 amino acid residue in RHO. Other variant(s) that disrupt this residue have been observed in individuals with RHO-related conditions (PMID: 21677794), which suggests that this may be a clinically significant amino acid residue. Advanced modeling of protein sequence and biophysical properties (such as structural, functional, and spatial information, amino acid conservation, physicochemical variation, residue mobility, and thermodynamic stability) performed at Invitae indicates that this missense variant is not expected to disrupt RHO protein function. ClinVar contains an entry for this variant (Variation ID: 932140). This missense change has been observed in individual(s) with clinical features of retinitis pigmentosa (Invitae). This variant is present in population databases (rs781237162, gnomAD 0.0009%). This sequence change replaces alanine, which is neutral and non-polar, with threonine, which is neutral and polar, at codon 298 of the RHO protein (p.Ala298Thr).

Centre for Mendelian Genomics, University Medical Centre Ljubljana
Classification: Uncertain significance for Pigmentary retinal dystrophy. Last evaluated: 2019-07-25. Review status: criteria provided, single submitter. Criteria: ACMG Guidelines, 2015. Collection method: clinical testing. Allele origin: unknown. Affected: yes.
Comment: This variant was classified as: Uncertain significance. The available evidence on this variant's pathogenicity is insufficient or conflicting. The following ACMG criteria were applied in classifying this variant: PM2,PP2.

Literature cited by the submitters: PubMed 21677794 (cited by Labcorp Genetics (formerly Invitae), Labcorp).